The following is an entry in ClinVar:

NM_001261826.3(AP3D1):c.2002-6C>T

Gene: AP3D1 (adaptor related protein complex 3 subunit delta 1; minus strand). Cytogenetic location: 19p13.3.
Variant type: single nucleotide variant.
Coding change: c.2002-6C>T on transcript NM_001261826.3 (MANE Select); 6 bases into the intron before coding-DNA position 2002, C replaced by T.
Molecular consequence: intron variant.
Genome position (GRCh38, 1-based): chr19:2,116,284, G>A on the plus strand (C>T on the coding strand, the complement: AP3D1 is on the minus strand). VCF-style: chr19-2116284-G-A. GRCh37 (hg19) VCF-style: chr19-2116283-G-A.
Other names: c.2002-6C>T (NM_003938.8, NM_001374799.1, NM_001261826.1).
Identifiers: ClinVar variation 1929474 (VCV001929474.7), dbSNP rs773381806, ClinGen allele CA9059070.
Genomic context (GRCh38, chr19:2,116,284, plus strand): 5'-AGCTCTTGATGTAGAAGGGGTTGTTGGCCTGCTCCTGCTTCCGGGCCTCTCGGCGCTGTG[G>A]GACACAGCTTGGCATGAGCCCGAGAGAAGCGGGCAGGATACCCCTCTGTGGACGTCCACC-3'

ClinVar aggregate classification (germline): Likely benign. Review status: criteria provided, single submitter (1 of 4 stars). 2 submissions from 2 submitters: Likely benign (1). 1 of the submissions does not count toward it. Last evaluated 2024-09-19.

Conditions:
AP3D1-related disorder. Also called: AP3D1-related condition.

Allele frequency attached by ClinVar (database versions not stated): ExAC 0.00001; gnomAD 0.00001; gnomAD exomes 0.00001; TOPMed 0.00003.
gnomAD v4.1: 13 of 1,613,582 alleles (0.00081%); highest among the groups gnomAD compares: Admixed American, 0.0017%; no homozygotes.

Submissions (2):

Labcorp Genetics (formerly Invitae), Labcorp
Classification: Likely benign. Last evaluated: 2024-09-19. Review status: criteria provided, single submitter. Criteria: Invitae Variant Classification Sherloc (09022015). Collection method: clinical testing. Allele origin: germline.

PreventionGenetics, part of Exact Sciences
Classification: Likely benign for AP3D1-related condition. Last evaluated: 2021-04-06. Review status: no assertion criteria provided. Collection method: clinical testing. Allele origin: germline. Not counted in ClinVar's aggregate classification.
Comment: This variant is classified as likely benign based on ACMG/AMP sequence variant interpretation guidelines (Richards et al. 2015 PMID: 25741868, with internal and published modifications).